The following is an entry in ClinVar:

NM_001271938.2(MEGF8):c.6080C>A (p.Ser2027Tyr)

Gene: MEGF8 (multiple EGF like domains 8; plus strand). Cytogenetic location: 19q13.2.
Variant type: single nucleotide variant.
Coding change: c.6080C>A on transcript NM_001271938.2 (MANE Select); coding-DNA position 6080, C replaced by A.
Protein change: p.Ser2027Tyr; replaces serine 2027 with tyrosine.
Molecular consequence: missense variant.
Genome position (GRCh38, 1-based): chr19:42,363,069, C>A. VCF-style: chr19-42363069-C-A. GRCh37 (hg19) VCF-style: chr19-42867221-C-A.
Other names: c.5879C>A, p.Ser1960Tyr (NM_001410.3); short protein forms S1960Y, S2027Y.
Identifiers: ClinVar variation 1433894 (VCV001433894.6), dbSNP rs2147497843, ClinGen allele CA406130148.

ClinVar aggregate classification (germline): Uncertain significance (1 of 4 stars; one submission).

Conditions:
MEGF8-related Carpenter syndrome. Also called: Carpenter syndrome 2. Identifiers: Orphanet 65759, MedGen C3554247, MONDO:0013998, OMIM 614976.

Submission:

Labcorp Genetics (formerly Invitae), Labcorp
Classification: Uncertain significance for MEGF8-related Carpenter syndrome. Last evaluated: 2022-07-19. Review status: criteria provided, single submitter. Criteria: Invitae Variant Classification Sherloc (09022015). Collection method: clinical testing. Allele origin: germline.
Comment: In summary, the available evidence is currently insufficient to determine the role of this variant in disease. Therefore, it has been classified as a Variant of Uncertain Significance. Algorithms developed to predict the effect of missense changes on protein structure and function are either unavailable or do not agree on the potential impact of this missense change (SIFT: "Deleterious"; PolyPhen-2: "Possibly Damaging"; Align-GVGD: "Class C0"). ClinVar contains an entry for this variant (Variation ID: 1433894). This variant has not been reported in the literature in individuals affected with MEGF8-related conditions. This variant is not present in population databases (gnomAD no frequency). This sequence change replaces serine, which is neutral and polar, with tyrosine, which is neutral and polar, at codon 1960 of the MEGF8 protein (p.Ser1960Tyr).